The following is an entry in ClinVar:

NM_004655.4(AXIN2):c.721T>G (p.Cys241Gly)

Gene: AXIN2 (axin 2; minus strand). Cytogenetic location: 17q24.1.
Variant type: single nucleotide variant.
Coding change: c.721T>G on transcript NM_004655.4 (MANE Select); coding-DNA position 721, T replaced by G.
Protein change: p.Cys241Gly; replaces cysteine 241 with glycine.
Molecular consequence: missense variant.
Genome position (GRCh38, 1-based): chr17:65,557,900, A>C on the plus strand (T>G on the coding strand, the complement: AXIN2 is on the minus strand). VCF-style: chr17-65557900-A-C. GRCh37 (hg19) VCF-style: chr17-63554018-A-C.
Other names: c.721T>G, p.Cys241Gly (NM_001363813.1); c.721T>G (LRG_296t1); short protein forms C241G.
Identifiers: ClinVar variation 240028 (VCV000240028.23), dbSNP rs370549410, ClinGen allele CA8719004.

ClinVar aggregate classification (germline): Conflicting classifications of pathogenicity. Review status: criteria provided, conflicting classifications (1 of 4 stars). 7 submissions from 7 submitters: Uncertain significance (4); Benign (1). 2 of the submissions do not count toward it. Last evaluated 2025-02-02.

Conditions:
Hereditary cancer-predisposing syndrome. Also called: Neoplastic Syndromes, Hereditary; Hereditary neoplastic syndrome; Tumor predisposition; Hereditary Cancer Syndrome. Identifiers: Orphanet 140162, MedGen C0027672, MeSH D009386, MONDO:0015356.
Colorectal cancer. Also called: Colorectal cancer, somatic; Malignant Colorectal Neoplasm. Identifiers: MedGen C0346629, MONDO:0005575, OMIM 114500.
Oligodontia-cancer predisposition syndrome. Also called: TOOTH AGENESIS-COLORECTAL CANCER SYNDROME. Identifiers: Orphanet 300576, MedGen C1837750, MONDO:0012075, OMIM 608615. Disease mechanism: loss of function.

Allele frequency attached by ClinVar (database versions not stated): TOPMed below 0.00001; gnomAD 0.00001; gnomAD exomes 0.00001 and 0.00004; ExAC 0.00004.
gnomAD v4.1: 21 of 1,614,080 alleles (0.0013%); highest among the groups gnomAD compares: East Asian, 0.011%; no homozygotes.

Submissions (7):

Labcorp Genetics (formerly Invitae), Labcorp
Classification: Uncertain significance for Oligodontia-cancer predisposition syndrome. Last evaluated: 2025-02-02. Review status: criteria provided, single submitter. Criteria: Invitae Variant Classification Sherloc (09022015). Collection method: clinical testing. Allele origin: germline.
Comment: This sequence change replaces cysteine, which is neutral and slightly polar, with glycine, which is neutral and non-polar, at codon 241 of the AXIN2 protein (p.Cys241Gly). This variant is present in population databases (rs370549410, gnomAD 0.04%). This missense change has been observed in individual(s) with ovarian cancer (PMID: 30093976). ClinVar contains an entry for this variant (Variation ID: 240028). Invitae Evidence Modeling of protein sequence and biophysical properties (such as structural, functional, and spatial information, amino acid conservation, physicochemical variation, residue mobility, and thermodynamic stability) indicates that this missense variant is not expected to disrupt AXIN2 protein function with a negative predictive value of 80%. In summary, the available evidence is currently insufficient to determine the role of this variant in disease. Therefore, it has been classified as a Variant of Uncertain Significance.

Ambry Genetics
Classification: Benign for Hereditary cancer-predisposing syndrome. Last evaluated: 2024-03-28. Review status: criteria provided, single submitter. Criteria: Ambry Variant Classification Scheme 2023. Collection method: clinical testing. Allele origin: germline.

Baylor Genetics
Classification: Uncertain significance for Colorectal cancer. Last evaluated: 2024-01-10. Review status: criteria provided, single submitter. Criteria: ACMG Guidelines, 2015. Collection method: clinical testing. Allele origin: unknown.

GeneDx
Classification: Uncertain significance. Last evaluated: 2023-12-21. Review status: criteria provided, single submitter. Criteria: GeneDx Variant Classification Process June 2021. Collection method: clinical testing. Allele origin: germline. Affected: yes.
Comment: In silico analysis supports that this missense variant does not alter protein structure/function; Observed in an individual with ovarian cancer (PMID: 30093976); This variant is associated with the following publications: (PMID: Drasin2023[Case report], 30093976)

Sema4
Classification: Uncertain significance for Hereditary cancer-predisposing syndrome. Last evaluated: 2021-12-20. Review status: criteria provided, single submitter. Criteria: Sema4 Curation Guidelines. Collection method: curation. Allele origin: germline.
Comment: The AXIN2 c.721T>G (p.C241G) variant has been reported in heterozygosity in at least one individual with ovarian cancer (PMID: 30093976). It was observed in 7/18394 chromosomes of the East Asian subpopulation in the large and broad cohorts of the Genome Aggregation Database (PMID: 32461654). This variant has been reported in ClinVar (Variation ID 240028). Functional studies have not been performed, and in silico predictions of the variant's effect on protein function are inconclusive. The evidence is insufficient to meet ACMG/AMP criteria for classifying the variant as benign or pathogenic. Thus, the clinical significance of this variant is currently uncertain.

Clinical Genetics, Academic Medical Center
Classification: Likely benign. Review status: no assertion criteria provided. Collection method: clinical testing. Allele origin: germline. Affected: yes. Study: VKGL Data-share Consensus. Not counted in ClinVar's aggregate classification.

Genome Diagnostics Laboratory, Amsterdam University Medical Center
Classification: Likely benign. Review status: no assertion criteria provided. Collection method: clinical testing. Allele origin: germline. Affected: yes. Study: VKGL Data-share Consensus. Not counted in ClinVar's aggregate classification.

Literature cited by the submitters: PubMed 30093976 (cited by 3 submitters).